The following is an entry in ClinVar:

NM_001458.5(FLNC):c.7273_7274insTTCAC (p.Gln2425fs)

Genes: FLNC-AS1 (FLNC antisense RNA 1; minus strand), FLNC (filamin C; plus strand). Cytogenetic location: 7q32.1.
Variant type: Insertion.
Coding change: c.7273_7274insTTCAC on transcript NM_001458.5 (MANE Select); coding-DNA positions 7273 to 7274, TTCAC inserted.
Protein change: p.Gln2425fs; shifts the reading frame from glutamine 2425.
Molecular consequence: frameshift variant.
Genome position: GRCh38 VCF-style: chr7-128856538-C-CCTTCA. GRCh37 (hg19) VCF-style: chr7-128496592-C-CCTTCA.
Other names: c.7174_7175insTTCAC, p.Gln2392fs (NM_001127487.2); short protein forms Q2392fs, Q2425fs.
Identifiers: ClinVar variation 2953652 (VCV002953652.3), dbSNP rs1282812003, ClinGen allele CA578151130.

ClinVar aggregate classification (germline): Pathogenic (1 of 4 stars; one submission).

Conditions:
Hypertrophic cardiomyopathy 26. Also called: Cardiomyopathy, familial hypertrophic, 26. Identifiers: Orphanet 75249, MedGen C4310749, MONDO:0014883, OMIM 617047.
Myofibrillar myopathy 5. Also called: Filaminopathy (type); FILAMINOPATHY, AUTOSOMAL DOMINANT. Identifiers: Orphanet 171445, MedGen C1836050, MONDO:0012289, OMIM 609524.
Distal myopathy with posterior leg and anterior hand involvement. Also called: WILLIAMS DISTAL MYOPATHY. Identifiers: Orphanet 63273, MedGen C3279722, MONDO:0013550, OMIM 614065.

Submission:

Labcorp Genetics (formerly Invitae), Labcorp
Classification: Pathogenic for Distal myopathy with posterior leg and anterior hand involvement; Myofibrillar myopathy 5; Hypertrophic cardiomyopathy 26. Last evaluated: 2024-08-19. Review status: criteria provided, single submitter. Criteria: Invitae Variant Classification Sherloc (09022015). Collection method: clinical testing. Allele origin: germline.
Comment: This sequence change creates a premature translational stop signal (p.Gln2425Leufs*11) in the FLNC gene. It is expected to result in an absent or disrupted protein product. Loss-of-function variants in FLNC are known to be pathogenic (PMID: 27908349). This variant is present in population databases (no rsID available, gnomAD 0.0009%). This variant has not been reported in the literature in individuals affected with FLNC-related conditions. For these reasons, this variant has been classified as Pathogenic.

Literature cited by the submitters: PubMed 27908349.